The following is an entry in ClinVar:

ClinVar aggregate classification (germline): Uncertain significance (1 of 4 stars; one submission).

Conditions:
Primary dilated cardiomyopathy (DCM). Also called: Dilated Cardiomyopathy. Identifiers: Orphanet 217604, MedGen C0007193, MeSH D002311, MONDO:0005021, HP:0001644. Inheritance: Various modes of inheritance.
Hypertrophic cardiomyopathy. Also called: HYPERTROPHIC MYOCARDIOPATHY. Identifiers: Orphanet 217569, MedGen C0007194, MeSH D002312, MONDO:0005045, HP:0001639.

Allele frequency attached by ClinVar (database versions not stated): gnomAD exomes below 0.00001; TOPMed below 0.00001.
gnomAD v4.1: 1 of 1,614,110 alleles (0.000062%); highest among the groups gnomAD compares: Admixed American, 0.0017%; no homozygotes.

Submission:

Labcorp Genetics (formerly Invitae), Labcorp
Classification: Uncertain significance for Hypertrophic cardiomyopathy; Primary dilated cardiomyopathy. Last evaluated: 2022-02-23. Review status: criteria provided, single submitter. Criteria: Invitae Variant Classification Sherloc (09022015). Collection method: clinical testing. Allele origin: germline.
Comment: This variant is not present in population databases (gnomAD no frequency). This sequence change replaces alanine, which is neutral and non-polar, with aspartic acid, which is acidic and polar, at codon 188 of the PDLIM3 protein (p.Ala188Asp). This variant has not been reported in the literature in individuals affected with PDLIM3-related conditions. Algorithms developed to predict the effect of missense changes on protein structure and function (SIFT, PolyPhen-2, Align-GVGD) all suggest that this variant is likely to be disruptive. In summary, the available evidence is currently insufficient to determine the role of this variant in disease. Therefore, it has been classified as a Variant of Uncertain Significance.

NM_014476.6(PDLIM3):c.563C>A (p.Ala188Asp)

Gene: PDLIM3 (PDZ and LIM domain 3; minus strand). Cytogenetic location: 4q35.1.
Variant type: single nucleotide variant.
Coding change: c.563C>A on transcript NM_014476.6 (MANE Select); coding-DNA position 563, C replaced by A.
Protein change: p.Ala188Asp; replaces alanine 188 with aspartic acid.
Molecular consequence: missense variant. On other transcripts: intron variant (3).
Genome position (GRCh38, 1-based): chr4:185,508,398, G>T on the plus strand (C>A on the coding strand, the complement: PDLIM3 is on the minus strand). VCF-style: chr4-185508398-G-T. GRCh37 (hg19) VCF-style: chr4-186429552-G-T.
Other names: c.162-1746C>A (NM_001257963.2); c.399-1746C>A (NM_001257962.2); c.519-1746C>A (NM_001114107.5); short protein forms A188D.
Identifiers: ClinVar variation 2177183 (VCV002177183.4), dbSNP rs1370714820, ClinGen allele CA358923892.